The following is an entry in ClinVar:

NM_001378418.1(TCF20):c.1435del (p.Ala478_Leu479insTer)

Gene: TCF20 (transcription factor 20; minus strand). Cytogenetic location: 22q13.2.
Variant type: Deletion.
Coding change: c.1435del on transcript NM_001378418.1 (MANE Select); coding-DNA position 1435, one base deleted (C; older notation c.1435delC).
Protein change: p.Ala478_Leu479insTer.
Molecular consequence: nonsense.
Genome position (GRCh38, 1-based): chr22:42,213,871, G deleted on the plus strand (C on the coding strand, the reverse complement: TCF20 is on the minus strand); the first of 3 consecutive G bases (chr22:42,213,871-42,213,873); deleting any one gives the same sequence. VCF-style (leftmost placement, unchanged base first): chr22-42213870-AG-A. GRCh37 (hg19) VCF-style: chr22-42609876-AG-A.
Other names: c.1435del, p.Ala478_Leu479insTer (NM_005650.4, NM_181492.3).
Identifiers: ClinVar variation 1687256 (VCV001687256.1), dbSNP rs2147217022, ClinGen allele CA2573158191.
Genomic context (GRCh38, chr22:42,213,870, plus strand): 5'-GTGCAGCTATCTGCTTTCTTGGAAGATGAGGGCCTCTTGGAGGTCTTCTTCTGAGGAGTC[AG>A]GGCATCAGAAAGTAACATGTGCTGGACAGTGTTAGGAAGATTGGCCACTTGAGTACTCAG-3'

ClinVar aggregate classification (germline): Likely pathogenic (1 of 4 stars; one submission).

Conditions:
Developmental delay with variable intellectual impairment and behavioral abnormalities. Identifiers: MedGen C5193092, MONDO:0032745, OMIM 618430.

Submission:

3billion
Classification: Likely pathogenic for Developmental delay with variable intellectual impairment and behavioral abnormalities. Last evaluated: 2022-05-22. Review status: criteria provided, single submitter. Criteria: ACMG Guidelines, 2015. Collection method: clinical testing. Allele origin: germline. Affected: yes. Observed: 1 heterozygote.
Comment: The variant is not observed in the gnomAD v2.1.1 dataset. Frameshift: predicted to result in a loss or disruption of normal protein function through nonsense-mediated decay (NMD) or protein truncation. Multiple pathogenic variants are reported downstream of the variant. Therefore, this variant is classified as likely pathogenic according to the recommendation of ACMG/AMP guideline.